The following is an entry in ClinVar:

ClinVar aggregate classification (germline): Uncertain significance (1 of 4 stars; one submission).

Conditions:
Charcot-Marie-Tooth disease type 2. Also called: Charcot-Marie-Tooth type 2. Identifiers: Orphanet 64746, MedGen C0270914, MONDO:0018993.

Submission:

Labcorp Genetics (formerly Invitae), Labcorp
Classification: Uncertain significance for Charcot-Marie-Tooth disease type 2. Last evaluated: 2023-08-16. Review status: criteria provided, single submitter. Criteria: Invitae Variant Classification Sherloc (09022015). Collection method: clinical testing. Allele origin: germline.
Comment: In summary, the available evidence is currently insufficient to determine the role of this variant in disease. Therefore, it has been classified as a Variant of Uncertain Significance. Advanced modeling of protein sequence and biophysical properties (such as structural, functional, and spatial information, amino acid conservation, physicochemical variation, residue mobility, and thermodynamic stability) has been performed at Invitae for this missense variant, however the output from this modeling did not meet the statistical confidence thresholds required to predict the impact of this variant on AARS protein function. This variant has not been reported in the literature in individuals affected with AARS-related conditions. This variant is not present in population databases (gnomAD no frequency). This sequence change replaces threonine, which is neutral and polar, with arginine, which is basic and polar, at codon 274 of the AARS protein (p.Thr274Arg).

NM_001605.3(AARS1):c.821C>G (p.Thr274Arg)

Gene: AARS1 (alanyl-tRNA synthetase 1; minus strand). Cytogenetic location: 16q22.1.
Variant type: single nucleotide variant.
Coding change: c.821C>G on transcript NM_001605.3 (MANE Select); coding-DNA position 821, C replaced by G.
Protein change: p.Thr274Arg; replaces threonine 274 with arginine.
Molecular consequence: missense variant.
Genome position (GRCh38, 1-based): chr16:70,269,759, G>C on the plus strand (C>G on the coding strand, the complement: AARS1 is on the minus strand). VCF-style: chr16-70269759-G-C. GRCh37 (hg19) VCF-style: chr16-70303662-G-C.
Other names: short protein forms T274R.
Identifiers: ClinVar variation 2844516 (VCV002844516.3), dbSNP rs2507016948, ClinGen allele CA396564953.
Genomic context (GRCh38, chr16:70,269,759, plus strand): 5'-GCCATGTCAATCCCATCGGCATCCTCAGCACCAACTTTCCCAGTGTATGGTCGGGCACCT[G>C]TGCCCTATAGATAAGAATCAGGAGGCAGCCCTTTAGGAAGCAGACTTTCTGGCGCTACCT-3'
Protein context (NP_001596.2, residues 264-284): VPYFEAIQKG[Thr274Arg]GARPYTGKVG